The following is an entry in ClinVar:

NM_194454.3(KRIT1):c.815_816insTA (p.Gln272fs)

Gene: KRIT1 (KRIT1 ankyrin repeat containing; minus strand). Cytogenetic location: 7q21.2.
Variant type: Insertion.
Coding change: c.815_816insTA on transcript NM_194454.3 (MANE Select); coding-DNA positions 815 to 816, TA inserted.
Protein change: p.Gln272fs; shifts the reading frame from glutamine 272.
Molecular consequence: frameshift variant.
Genome position: GRCh38 VCF-style: chr7-92234837-C-CTA. GRCh37 (hg19) VCF-style: chr7-91864151-C-CTA.
Other names: c.815_816insTA, p.Gln272fs (NM_001013406.2, NM_001350669.1, NM_001350670.1 and 29 more transcripts); c.101_102insTA, p.Gln34fs (NM_001350671.1); short protein forms Q34fs, Q272fs.
Identifiers: ClinVar variation 2031026 (VCV002031026.4), dbSNP rs2536012401, ClinGen allele CA2580077460.

ClinVar aggregate classification (germline): Pathogenic (1 of 4 stars; one submission).

Conditions:
Cerebral cavernous malformation (CCM). Also called: CAVERNOUS ANGIOMA, FAMILIAL; CAVERNOUS ANGIOMATOUS MALFORMATIONS; CEREBRAL CAPILLARY MALFORMATIONS; Cerebral cavernous hemangioma (type); Cerebral cavernous malformations; Cavernous Hemangioma of Brain. Identifiers: Orphanet 221061, MedGen C2919945, MONDO:0000820, OMIM 116860, HP:0033522.

Submission:

Labcorp Genetics (formerly Invitae), Labcorp
Classification: Pathogenic for Cerebral cavernous malformation. Last evaluated: 2023-01-26. Review status: criteria provided, single submitter. Criteria: Invitae Variant Classification Sherloc (09022015). Collection method: clinical testing. Allele origin: germline.
Comment: This sequence change creates a premature translational stop signal (p.Gln272Hisfs*5) in the KRIT1 gene. It is expected to result in an absent or disrupted protein product. Loss-of-function variants in KRIT1 are known to be pathogenic (PMID: 10508515, 11222804, 12404106, 24689081). For these reasons, this variant has been classified as Pathogenic. Algorithms developed to predict the effect of sequence changes on RNA splicing suggest that this variant may disrupt the consensus splice site. This variant has not been reported in the literature in individuals affected with KRIT1-related conditions. This variant is not present in population databases (gnomAD no frequency).

Literature cited by the submitters: PubMed 10508515; PubMed 11222804; PubMed 12404106; PubMed 24689081.